The following is an entry in ClinVar:

ClinVar aggregate classification (germline): Pathogenic/Likely pathogenic. Review status: criteria provided, multiple submitters, no conflicts (2 of 4 stars). 2 submissions from 2 submitters: Pathogenic (1); Likely pathogenic (1). Last evaluated 2024-03-25.

Conditions:
Bloom syndrome (BLM). Also called: Bloom-Torre-Machacek syndrome. Identifiers: Orphanet 125, MedGen C0005859, MONDO:0008876, OMIM 210900.

Submissions (2):

Labcorp Genetics (formerly Invitae), Labcorp
Classification: Pathogenic for Bloom syndrome. Last evaluated: 2024-03-25. Review status: criteria provided, single submitter. Criteria: Invitae Variant Classification Sherloc (09022015). Collection method: clinical testing. Allele origin: germline.
Comment: This sequence change creates a premature translational stop signal (p.Tyr865*) in the BLM gene. It is expected to result in an absent or disrupted protein product. Loss-of-function variants in BLM are known to be pathogenic (PMID: 17407155). This variant is not present in population databases (gnomAD no frequency). This variant has not been reported in the literature in individuals affected with BLM-related conditions. ClinVar contains an entry for this variant (Variation ID: 1396588). RNA analysis performed to evaluate the impact of this premature translational stop signal on mRNA splicing indicates it does not significantly alter splicing (Invitae). For these reasons, this variant has been classified as Pathogenic.

Baylor Genetics
Classification: Likely pathogenic for Bloom syndrome. Last evaluated: 2022-12-08. Review status: criteria provided, single submitter. Criteria: ACMG Guidelines, 2015. Collection method: clinical testing. Allele origin: unknown.

Literature cited by the submitters: PubMed 17407155 (cited by Labcorp Genetics (formerly Invitae), Labcorp).

NM_000057.4(BLM):c.2595T>A (p.Tyr865Ter)

Gene: BLM (BLM RecQ like helicase; plus strand). Cytogenetic location: 15q26.1.
Variant type: single nucleotide variant.
Coding change: c.2595T>A on transcript NM_000057.4 (MANE Select); coding-DNA position 2595, T replaced by A.
Protein change: p.Tyr865Ter; replaces tyrosine 865 with a stop codon.
Molecular consequence: nonsense.
Genome position (GRCh38, 1-based): chr15:90,782,861, T>A. VCF-style: chr15-90782861-T-A. GRCh37 (hg19) VCF-style: chr15-91326091-T-A.
Other names: c.2595T>A, p.Tyr865Ter (NM_001287246.2, NM_001287247.2); c.1470T>A, p.Tyr490Ter (NM_001287248.2); short protein forms Y490*, Y865*.
Identifiers: ClinVar variation 1396588 (VCV001396588.7), dbSNP rs1060503989, ClinGen allele CA393845675.